The following is an entry in ClinVar:

NM_015021.3(ZNF292):c.7662AGC[1] (p.Ala2556del)

Gene: ZNF292 (zinc finger protein 292; plus strand). Cytogenetic location: 6q14.3.
Variant type: Microsatellite.
Coding change: c.7662AGC[1] on transcript NM_015021.3 (MANE Select); one copy of the 3-base unit AGC starting at c.7662; the reference has two copies in a row; one copy, 3 bases deleted.
Protein change: p.Ala2556del; deletes alanine 2556.
Molecular consequence: inframe deletion.
Genome position (GRCh38, 1-based): chr6:87,261,294-87,261,296, AGC deleted; deleting any 3 consecutive bases within chr6:87,261,290-87,261,296 gives the same sequence; the position shown is the placement nearest the transcript's 3' end. VCF-style (leftmost placement, unchanged base first): chr6-87261289-TCAG-T. GRCh37 (hg19) VCF-style: chr6-87971007-TCAG-T.
Other names: c.7242AGC[1], p.Ala2416del (NM_001351444.2); short protein forms A2416del, A2556del.
Identifiers: ClinVar variation 4992589 (VCV004992589.1).

ClinVar aggregate classification (germline): Uncertain significance (1 of 4 stars; one submission).

Conditions:
ZNF292-related disorder. Also called: ZNF292-related condition.

Submission:

PreventionGenetics, part of Exact Sciences
Classification: Uncertain significance for ZNF292-related condition. Last evaluated: 2025-12-10. Review status: criteria provided, single submitter. Criteria: ACMG Guidelines, 2015. Collection method: clinical testing. Allele origin: germline.
Comment: The ZNF292 c.7665_7667delAGC variant is predicted to result in an in-frame deletion (p.Ala2556del). To our knowledge, this variant has not been reported in the literature or in a large population database (gnomAD), indicating this variant is rare. At this time, the clinical significance of this variant is uncertain due to the absence of conclusive functional and genetic evidence.